The following is an entry in ClinVar:

ClinVar aggregate classification (germline): Uncertain significance (1 of 4 stars; one submission).

Conditions:
Hereditary cancer-predisposing syndrome. Also called: Tumor predisposition; Neoplastic Syndromes, Hereditary; Hereditary neoplastic syndrome; Hereditary Cancer Syndrome. Identifiers: Orphanet 140162, MedGen C0027672, MeSH D009386, MONDO:0015356.

Submission:

Molecular Diagnostics Laboratory, Catalan Institute of Oncology
Classification: Uncertain significance for Hereditary cancer-predisposing syndrome. Last evaluated: 2025-05-21. Review status: criteria provided, single submitter. Criteria: ClinGen ACMG Specifications APC V1.0.0. Collection method: clinical testing. Allele origin: germline.
Comment: PM2_Supporting c.3086T>C, located in exon 16 of the APC gene, is predicted to result in the substitution of leucine by proline at codon 1029, p.(Leu1029Pro). That position is inside the first 15-amino acid repeat of the ?-catenin binding domain, but this is not one of the positions in which missense variants are considered pathogenic by the literature (residues 1026 and 1028). It is not present in the population database gnomAD v2.1.1, non cancer dataset (PM2_Supporting). No effect is predicted on splicing by SpliceAI. To our knowledge, neither relevant clinical data nor well-stablished functional studies have been reported for this variant. Also, it has not been reported neither in ClinVar nor in LOVD databases. Based on the currently available information, c.3086T>C is classified as an uncertain significance variant according to ClinGen-APC Guidelines version 1.

NM_000038.6(APC):c.3086T>C (p.Leu1029Pro)

Gene: APC (APC regulator of Wnt signaling pathway; plus strand). Cytogenetic location: 5q22.2.
Variant type: single nucleotide variant.
Coding change: c.3086T>C on transcript NM_000038.6 (MANE Select); coding-DNA position 3086, T replaced by C.
Protein change: p.Leu1029Pro; replaces leucine 1029 with proline.
Molecular consequence: missense variant. On other transcripts: non-coding transcript variant (2).
Genome position (GRCh38, 1-based): chr5:112,838,680, T>C. VCF-style: chr5-112838680-T-C. GRCh37 (hg19) VCF-style: chr5-112174377-T-C.
Other names: c.2783T>C, p.Leu928Pro (NM_001407458.1, NM_001407459.1, NM_001407460.1 and 1 more transcripts); c.2699T>C, p.Leu900Pro (NM_001407467.1, NM_001407469.1); c.2237T>C, p.Leu746Pro (NM_001407470.1, NM_001354906.2); c.1934T>C, p.Leu645Pro (NM_001407471.1, NM_001407472.1); c.2837T>C, p.Leu946Pro (NM_001407456.1, NM_001407457.1, NM_001407455.1 and 1 more transcripts); c.3086T>C, p.Leu1029Pro (NM_001127510.3, NM_001354895.2, NM_001407450.1); c.3032T>C, p.Leu1011Pro (NM_001127511.3); c.3140T>C, p.Leu1047Pro (NM_001354896.2, NM_001407447.1, NM_001407448.1 and 1 more transcripts); and 11 more; short protein forms L1001P, L1004P, L1011P, L1019P, L1022P, L1029P, L1039P, L1047P.
Identifiers: ClinVar variation 4082362 (VCV004082362.1).